The following is an entry in ClinVar:

NM_006493.4(CLN5):c.889C>A (p.Pro297Thr)

Gene: CLN5 (CLN5 lysosomal BMP synthase; plus strand). Cytogenetic location: 13q22.3.
Variant type: single nucleotide variant.
Coding change: c.889C>A on transcript NM_006493.4 (MANE Select); coding-DNA position 889, C replaced by A.
Protein change: p.Pro297Thr; replaces proline 297 with threonine.
Molecular consequence: missense variant. On other transcripts: 3 prime UTR variant (1).
Genome position (GRCh38, 1-based): chr13:77,000,781, C>A. VCF-style: chr13-77000781-C-A. GRCh37 (hg19) VCF-style: chr13-77574916-C-A.
Other names: c.*338C>A (NM_001366624.2); short protein forms P297T, P346T.
Identifiers: ClinVar variation 2165814 (VCV002165814.1), dbSNP rs1463058420, ClinGen allele CA388314012.

ClinVar aggregate classification (germline): Uncertain significance (1 of 4 stars; one submission).

Conditions:
Neuronal ceroid lipofuscinosis. Also called: Neuronal Ceroid Lipofuscinoses. Identifiers: Orphanet 216, Orphanet 79263, MedGen C0027877, MONDO:0016295. Disease mechanism: loss of function.

Allele frequency attached by ClinVar (database versions not stated): gnomAD exomes below 0.00001; TOPMed below 0.00001; gnomAD 0.00001.
gnomAD v4.1: 6 of 1,612,856 alleles (0.00037%); highest among the groups gnomAD compares: Non-Finnish European, 0.00051%; no homozygotes.

Submission:

Labcorp Genetics (formerly Invitae), Labcorp
Classification: Uncertain significance for Neuronal ceroid lipofuscinosis. Last evaluated: 2022-04-21. Review status: criteria provided, single submitter. Criteria: Invitae Variant Classification Sherloc (09022015). Collection method: clinical testing. Allele origin: germline.
Comment: This sequence change replaces proline, which is neutral and non-polar, with threonine, which is neutral and polar, at codon 346 of the CLN5 protein (p.Pro346Thr). This variant is not present in population databases (gnomAD no frequency). This variant has not been reported in the literature in individuals affected with CLN5-related conditions. Algorithms developed to predict the effect of missense changes on protein structure and function are either unavailable or do not agree on the potential impact of this missense change (SIFT: "Tolerated"; PolyPhen-2: "Probably Damaging"; Align-GVGD: "Class C0"). In summary, the available evidence is currently insufficient to determine the role of this variant in disease. Therefore, it has been classified as a Variant of Uncertain Significance.